The following is an entry in ClinVar:

NM_000181.4(GUSB):c.496C>T (p.Leu166Phe)

Gene: GUSB (glucuronidase beta; minus strand). Cytogenetic location: 7q11.21.
Variant type: single nucleotide variant.
Coding change: c.496C>T on transcript NM_000181.4 (MANE Select); coding-DNA position 496, C replaced by T.
Protein change: p.Leu166Phe; replaces leucine 166 with phenylalanine.
Molecular consequence: missense variant. On other transcripts: non-coding transcript variant (1), intron variant (3).
Genome position (GRCh38, 1-based): chr7:65,979,812, G>A on the plus strand (C>T on the coding strand, the complement: GUSB is on the minus strand). VCF-style: chr7-65979812-G-A. GRCh37 (hg19) VCF-style: chr7-65444799-G-A.
Other names: c.67+412C>T (NM_001293105.2); c.12-271C>T (NM_001293104.2); c.474+22C>T (NM_001284290.2); short protein forms L166F.
Identifiers: ClinVar variation 4743369 (VCV004743369.1).
Genomic context (GRCh38, chr7:65,979,812, plus strand): 5'-TGGTCCCTGGTGGCAGGGTGGTGGGGGTGAGTGTGTTGTTGATGGCGATAGTGATTCGGA[G>A]CCGGGAGGGCAGGGGCCCCACCTGGACCAGGTTGCTGATGTCGGCCTCGAAGGGGAGGTA-3'
Protein context (NP_000172.2, residues 156-176): LVQVGPLPSR[Leu166Phe]RITIAINNTL

ClinVar aggregate classification (germline): Uncertain significance (1 of 4 stars; one submission).

Conditions:
Mucopolysaccharidosis type 7 (MPS7). Also called: MPS VII; BETA-GLUCURONIDASE DEFICIENCY; GUSB DEFICIENCY; SLY SYNDROME. Identifiers: Orphanet 584, MedGen C0085132, MONDO:0009662, OMIM 253220.

Submission:

Labcorp Genetics (formerly Invitae), Labcorp
Classification: Uncertain significance for Mucopolysaccharidosis type 7. Last evaluated: 2025-02-27. Review status: criteria provided, single submitter. Criteria: Invitae Variant Classification Sherloc (09022015). Collection method: clinical testing. Allele origin: germline.
Comment: This sequence change replaces leucine, which is neutral and non-polar, with phenylalanine, which is neutral and non-polar, at codon 166 of the GUSB protein (p.Leu166Phe). This variant is not present in population databases (gnomAD no frequency). This variant has not been reported in the literature in individuals affected with GUSB-related conditions. Invitae Evidence Modeling of protein sequence and biophysical properties (such as structural, functional, and spatial information, amino acid conservation, physicochemical variation, residue mobility, and thermodynamic stability) indicates that this missense variant is not expected to disrupt GUSB protein function with a negative predictive value of 80%. In summary, the available evidence is currently insufficient to determine the role of this variant in disease. Therefore, it has been classified as a Variant of Uncertain Significance.